The following is an entry in ClinVar:

NM_001351132.2(PEX5):c.733G>A (p.Ala245Thr)

Gene: PEX5 (peroxisomal biogenesis factor 5; plus strand). Cytogenetic location: 12p13.31.
Variant type: single nucleotide variant.
Coding change: c.733G>A on transcript NM_001351132.2 (MANE Select); coding-DNA position 733, G replaced by A.
Protein change: p.Ala245Thr; replaces alanine 245 with threonine.
Molecular consequence: missense variant. On other transcripts: intron variant (15).
Genome position (GRCh38, 1-based): chr12:7,202,331, G>A. VCF-style: chr12-7202331-G-A. GRCh37 (hg19) VCF-style: chr12-7354927-G-A.
Other names: c.733G>A, p.Ala245Thr (NM_000319.5, NM_001131025.2, NM_001131026.2 and 6 more transcripts); c.778G>A, p.Ala260Thr (NM_001131023.2); c.643-281G>A (NM_001351124.3, NM_001351126.2, NM_001374646.1 and 10 more transcripts); c.688-281G>A (NM_001351135.3, NM_001351138.2); short protein forms A260T, A245T.
Identifiers: ClinVar variation 1944895 (VCV001944895.3), dbSNP rs758192249, ClinGen allele CA6426249.
Genomic context (GRCh38, chr12:7,202,331, plus strand): 5'-GGGCAGGTGTCCCTGGAGTCCGGTGCAGGGTCGGGCCGAGCTCAGGCAGAACAGTGGGCA[G>A]CAGAGTTTATACAGCAGCAGGTAGGACATTGTCACTTTCCAGTCCCACTTCAGAGCCAGC-3'
Protein context (NP_001338061.1, residues 235-255): SGRAQAEQWA[Ala245Thr]EFIQQQGTSD

ClinVar aggregate classification (germline): Uncertain significance (1 of 4 stars; one submission).

Conditions:
Peroxisome biogenesis disorder 2B (PBD2B). Identifiers: Orphanet 44, MedGen C3550234, MONDO:0008736, OMIM 202370.

Allele frequency attached by ClinVar (database versions not stated): ExAC 0.00001.

Submission:

Labcorp Genetics (formerly Invitae), Labcorp
Classification: Uncertain significance for Peroxisome biogenesis disorder 2B. Last evaluated: 2022-06-24. Review status: criteria provided, single submitter. Criteria: Invitae Variant Classification Sherloc (09022015). Collection method: clinical testing. Allele origin: germline.
Comment: In summary, the available evidence is currently insufficient to determine the role of this variant in disease. Therefore, it has been classified as a Variant of Uncertain Significance. Algorithms developed to predict the effect of missense changes on protein structure and function (SIFT, PolyPhen-2, Align-GVGD) all suggest that this variant is likely to be tolerated. This variant has not been reported in the literature in individuals affected with PEX5-related conditions. This variant is present in population databases (rs758192249, gnomAD 0.0009%). This sequence change replaces alanine, which is neutral and non-polar, with threonine, which is neutral and polar, at codon 245 of the PEX5 protein (p.Ala245Thr).